The following is an entry in ClinVar:

NM_003632.3(CNTNAP1):c.2747A>G (p.Tyr916Cys)

Gene: CNTNAP1 (contactin associated protein 1; plus strand). Cytogenetic location: 17q21.2.
Variant type: single nucleotide variant.
Coding change: c.2747A>G on transcript NM_003632.3 (MANE Select); coding-DNA position 2747, A replaced by G.
Protein change: p.Tyr916Cys; replaces tyrosine 916 with cysteine.
Molecular consequence: missense variant.
Genome position (GRCh38, 1-based): chr17:42,692,715, A>G. VCF-style: chr17-42692715-A-G. GRCh37 (hg19) VCF-style: chr17-40844733-A-G.
Other names: p.Tyr916Cys; short protein forms Y916C.
Identifiers: ClinVar variation 778712 (VCV000778712.11), dbSNP rs369859767, ClinGen allele CA8582131.

ClinVar aggregate classification (germline): Conflicting classifications of pathogenicity. Review status: criteria provided, conflicting classifications (1 of 4 stars). 4 submissions from 4 submitters: Uncertain significance (3); Benign (1). Last evaluated 2024-09-14.

Conditions:
Inborn genetic diseases. Identifiers: MedGen C0950123, MeSH D030342.

Allele frequency attached by ClinVar (database versions not stated): gnomAD 0.00006; gnomAD exomes 0.00010; ESP Exome Variant Server 0.00008; TOPMed 0.00006; ExAC 0.00015.
gnomAD v4.1: 105 of 1,605,922 alleles (0.0065%); highest among the groups gnomAD compares: Middle Eastern, 0.1%; no homozygotes.

Submissions (4):

GeneDx
Classification: Uncertain significance. Last evaluated: 2024-09-14. Review status: criteria provided, single submitter. Criteria: GeneDx Variant Classification Process June 2021. Collection method: clinical testing. Allele origin: germline. Affected: yes.
Comment: Not observed at significant frequency in large population cohorts (gnomAD); In silico analysis supports that this missense variant has a deleterious effect on protein structure/function; Has not been previously published as pathogenic or benign to our knowledge

Mayo Clinic Laboratories, Mayo Clinic
Classification: Uncertain significance. Last evaluated: 2023-12-19. Review status: criteria provided, single submitter. Criteria: ACMG Guidelines, 2015. Collection method: clinical testing. Allele origin: germline. Observed: 1 variant allele.
Comment: BS1

Labcorp Genetics (formerly Invitae), Labcorp
Classification: Benign. Last evaluated: 2023-07-03. Review status: criteria provided, single submitter. Criteria: Invitae Variant Classification Sherloc (09022015). Collection method: clinical testing. Allele origin: germline.

Ambry Genetics
Classification: Uncertain significance for Inborn genetic diseases. Last evaluated: 2021-10-06. Review status: criteria provided, single submitter. Criteria: Ambry Variant Classification Scheme 2023. Collection method: clinical testing. Allele origin: germline.